The following is an entry in ClinVar:

ClinVar aggregate classification (germline): Uncertain significance (1 of 4 stars; one submission).

Allele frequency attached by ClinVar (database versions not stated): gnomAD exomes below 0.00001.
gnomAD v4.1: 2 of 1,613,758 alleles (0.00012%); highest among the groups gnomAD compares: Non-Finnish European, 0.00017%; no homozygotes.

Submission:

Labcorp Genetics (formerly Invitae), Labcorp
Classification: Uncertain significance. Last evaluated: 2024-01-02. Review status: criteria provided, single submitter. Criteria: Invitae Variant Classification Sherloc (09022015). Collection method: clinical testing. Allele origin: germline.
Comment: This sequence change replaces lysine, which is basic and polar, with threonine, which is neutral and polar, at codon 266 of the CSF2RB protein (p.Lys266Thr). This variant is present in population databases (no rsID available, gnomAD 0.0009%). This variant has not been reported in the literature in individuals affected with CSF2RB-related conditions. Advanced modeling of protein sequence and biophysical properties (such as structural, functional, and spatial information, amino acid conservation, physicochemical variation, residue mobility, and thermodynamic stability) performed at Invitae indicates that this missense variant is not expected to disrupt CSF2RB protein function with a negative predictive value of 80%. In summary, the available evidence is currently insufficient to determine the role of this variant in disease. Therefore, it has been classified as a Variant of Uncertain Significance.

NM_000395.3(CSF2RB):c.797A>C (p.Lys266Thr)

Gene: CSF2RB (colony stimulating factor 2 receptor subunit beta; plus strand). Cytogenetic location: 22q12.3.
Variant type: single nucleotide variant.
Coding change: c.797A>C on transcript NM_000395.3 (MANE Select); coding-DNA position 797, A replaced by C.
Protein change: p.Lys266Thr; replaces lysine 266 with threonine.
Molecular consequence: missense variant.
Genome position (GRCh38, 1-based): chr22:36,930,453, A>C. VCF-style: chr22-36930453-A-C. GRCh37 (hg19) VCF-style: chr22-37326495-A-C.
Other names: c.797A>C, p.Lys266Thr (NM_001410827.1); short protein forms K266T.
Identifiers: ClinVar variation 2817788 (VCV002817788.3), dbSNP rs1396965250, ClinGen allele CA411407551.